The following is an entry in ClinVar:

NM_001394062.1(MACF1):c.1583_1586dup (p.Leu530fs)

Gene: MACF1 (microtubule actin crosslinking factor 1; plus strand). Cytogenetic location: 1p34.3.
Variant type: Duplication.
Coding change: c.1583_1586dup on transcript NM_001394062.1 (MANE Select); coding-DNA positions 1583 to 1586, 4 bases duplicated (CTTC; older notation c.1583_1586dupCTTC).
Protein change: p.Leu530fs; shifts the reading frame from leucine 530.
Molecular consequence: frameshift variant.
Genome position (GRCh38, 1-based): chr1:39,287,360-39,287,363, CTTC duplicated. VCF-style (leftmost placement, unchanged base first): chr1-39287359-A-ACTTC. GRCh37 (hg19) VCF-style: chr1-39753031-A-ACTTC.
Other names: c.1598_1601dup, p.Leu535fs (NM_012090.5); short protein forms L530fs, L535fs.
Identifiers: ClinVar variation 2663231 (VCV002663231.2), dbSNP rs2521407476, ClinGen allele CA2695198000.

ClinVar aggregate classification (germline): Uncertain significance (1 of 4 stars; one submission).

Submission:

GeneDx
Classification: Uncertain significance. Last evaluated: 2024-03-13. Review status: criteria provided, single submitter. Criteria: GeneDx Variant Classification Process June 2021. Collection method: clinical testing. Allele origin: germline.
Comment: Not observed at significant frequency in large population cohorts (gnomAD); Frameshift variant predicted to result in protein truncation or nonsense mediated decay in a gene for which loss of function is a known mechanism of disease; Has not been previously published as pathogenic or benign to our knowledge